The following is an entry in ClinVar:

NM_022167.4(XYLT2):c.742C>G (p.Leu248Val)

Gene: XYLT2 (xylosyltransferase 2; plus strand). Cytogenetic location: 17q21.33.
Variant type: single nucleotide variant.
Coding change: c.742C>G on transcript NM_022167.4 (MANE Select); coding-DNA position 742, C replaced by G.
Protein change: p.Leu248Val; replaces leucine 248 with valine.
Molecular consequence: missense variant.
Genome position (GRCh38, 1-based): chr17:50,354,521, C>G. VCF-style: chr17-50354521-C-G. GRCh37 (hg19) VCF-style: chr17-48431882-C-G.
Other names: short protein forms L248V.
Identifiers: ClinVar variation 2699307 (VCV002699307.3), dbSNP rs760893167, ClinGen allele CA8646247.
Genomic context (GRCh38, chr17:50,354,521, plus strand): 5'-GATGGCCCCCCGGTGCGAATCGCCTACATGCTGGTGGTTCACGGCCGCGCCATCCGCCAG[C>G]TGAAGCGTCTCCTCAAGGCCGTTTATCACGAGCAGCACTTCTTTTACATCCATGTGGACA-3'
Protein context (NP_071450.2, residues 238-258): LVVHGRAIRQ[Leu248Val]KRLLKAVYHE

ClinVar aggregate classification (germline): Uncertain significance (1 of 4 stars; one submission).

Allele frequency attached by ClinVar (database versions not stated): gnomAD exomes below 0.00001; ExAC 0.00001; gnomAD 0.00002.
gnomAD v4.1: 4 of 1,613,418 alleles (0.00025%); highest among the groups gnomAD compares: African/African-American, 0.0053%; no homozygotes.

Submission:

Labcorp Genetics (formerly Invitae), Labcorp
Classification: Uncertain significance. Last evaluated: 2023-11-27. Review status: criteria provided, single submitter. Criteria: Invitae Variant Classification Sherloc (09022015). Collection method: clinical testing. Allele origin: germline.
Comment: This sequence change replaces leucine, which is neutral and non-polar, with valine, which is neutral and non-polar, at codon 248 of the XYLT2 protein (p.Leu248Val). This variant is present in population databases (rs760893167, gnomAD 0.008%). This variant has not been reported in the literature in individuals affected with XYLT2-related conditions. Advanced modeling of protein sequence and biophysical properties (such as structural, functional, and spatial information, amino acid conservation, physicochemical variation, residue mobility, and thermodynamic stability) performed at Invitae indicates that this missense variant is not expected to disrupt XYLT2 protein function with a negative predictive value of 80%. In summary, the available evidence is currently insufficient to determine the role of this variant in disease. Therefore, it has been classified as a Variant of Uncertain Significance.